The following is an entry in ClinVar:

NM_032217.5(ANKRD17):c.6784C>T (p.Pro2262Ser)

Gene: ANKRD17 (ankyrin repeat domain 17; minus strand). Cytogenetic location: 4q13.3.
Variant type: single nucleotide variant.
Coding change: c.6784C>T on transcript NM_032217.5 (MANE Select); coding-DNA position 6784, C replaced by T.
Protein change: p.Pro2262Ser; replaces proline 2262 with serine.
Molecular consequence: missense variant.
Genome position (GRCh38, 1-based): chr4:73,090,844, G>A on the plus strand (C>T on the coding strand, the complement: ANKRD17 is on the minus strand). VCF-style: chr4-73090844-G-A. GRCh37 (hg19) VCF-style: chr4-73956561-G-A.
Other names: c.6445C>T, p.Pro2149Ser (NM_001286771.3); c.6781C>T, p.Pro2261Ser (NM_015574.2); c.6031C>T, p.Pro2011Ser (NM_198889.3); short protein forms P2011S, P2149S, P2261S, P2262S.
Identifiers: ClinVar variation 2672992 (VCV002672992.23), dbSNP rs2530159472, ClinGen allele CA357211358.

ClinVar aggregate classification (germline): Uncertain significance (1 of 4 stars; one submission).

Submission:

CeGaT Center for Human Genetics Tuebingen
Classification: Uncertain significance. Last evaluated: 2023-11-01. Review status: criteria provided, single submitter. Criteria: CeGaT Center For Human Genetics Tuebingen Variant Classification Criteria Version 2. Collection method: clinical testing. Allele origin: germline. Affected: yes. Observed: 1 variant allele.
Comment: ANKRD17: PM2, PS2:Supporting, BP4